The following is an entry in ClinVar:

ClinVar aggregate classification (germline): Likely benign. Review status: criteria provided, multiple submitters, no conflicts (2 of 4 stars). 2 submissions from 2 submitters: Likely benign (2). Last evaluated 2026-01-01.

Allele frequency attached by ClinVar (database versions not stated): gnomAD 0.00002; gnomAD exomes 0.00003 and 0.00006; TOPMed 0.00003; ExAC 0.00004; ESP Exome Variant Server 0.00008.
gnomAD v4.1: 46 of 1,613,964 alleles (0.0029%); highest among the groups gnomAD compares: Middle Eastern, 0.033%; no homozygotes.

Submissions (2):

CeGaT Center for Human Genetics Tuebingen
Classification: Likely benign. Last evaluated: 2026-01-01. Review status: criteria provided, single submitter. Criteria: CeGaT Center For Human Genetics Tuebingen Variant Classification Criteria Version 2. Collection method: clinical testing. Allele origin: germline. Affected: yes. Observed: 1 variant allele.
Comment: ERCC3: BP4, BP7

Labcorp Genetics (formerly Invitae), Labcorp
Classification: Likely benign. Last evaluated: 2025-06-15. Review status: criteria provided, single submitter. Criteria: Invitae Variant Classification Sherloc (09022015). Collection method: clinical testing. Allele origin: germline.

NM_000122.2(ERCC3):c.1005G>A (p.Ser335=)

Gene: ERCC3 (ERCC excision repair 3, TFIIH core complex helicase subunit; minus strand). Cytogenetic location: 2q14.3.
Variant type: single nucleotide variant.
Coding change: c.1005G>A on transcript NM_000122.2 (MANE Select); coding-DNA position 1005, G replaced by A.
Protein change: p.Ser335=; no amino-acid change (serine 335 retained).
Molecular consequence: synonymous variant.
Genome position (GRCh38, 1-based): chr2:127,288,682, C>T on the plus strand (G>A on the coding strand, the complement: ERCC3 is on the minus strand). VCF-style: chr2-127288682-C-T. GRCh37 (hg19) VCF-style: chr2-128046258-C-T.
Other names: c.813G>A, p.Ser271= (NM_001303416.2, NM_001303418.2).
Identifiers: ClinVar variation 1483434 (VCV001483434.12), dbSNP rs375184289, ClinGen allele CA1858388.